The following is an entry in ClinVar:

NM_000238.4(KCNH2):c.318C>A (p.Phe106Leu)

Gene: KCNH2 (potassium voltage-gated channel subfamily H member 2; minus strand). Cytogenetic location: 7q36.1.
Variant type: single nucleotide variant.
Coding change: c.318C>A on transcript NM_000238.4 (MANE Select); coding-DNA position 318, C replaced by A.
Protein change: p.Phe106Leu; replaces phenylalanine 106 with leucine.
Molecular consequence: missense variant.
Genome position (GRCh38, 1-based): chr7:150,959,726, G>T on the plus strand (C>A on the coding strand, the complement: KCNH2 is on the minus strand). VCF-style: chr7-150959726-G-T. GRCh37 (hg19) VCF-style: chr7-150656814-G-T.
Other names: c.318C>A (LRG_288t1); c.30C>A, p.Phe10Leu (NM_001406753.1, NM_001406756.1); c.141C>A, p.Phe47Leu (NM_001406755.1); c.18C>A, p.Phe6Leu (NM_001406757.1); c.318C>A, p.Phe106Leu (NM_172056.3); short protein forms F106L, F6L, F47L, F10L.
Identifiers: ClinVar variation 67478 (VCV000067478.3), dbSNP rs199473497, ClinGen allele CA008086.

ClinVar aggregate classification (germline): not provided (0 of 4 stars; one submission).

Conditions:
Familial long QT syndrome (RWS). Also called: Congenital long QT syndrome; Romano-Ward syndrome; VENTRICULAR FIBRILLATION WITH PROLONGED QT INTERVAL. Identifiers: Orphanet 768, MedGen C1141890, MONDO:0019171.

Submission:

Cardiovascular Biomedical Research Unit, Royal Brompton & Harefield NHS Foundation Trust
No classification provided. Condition: Familial long QT syndrome. Review status: no classification provided. Collection method: literature only. Allele origin: germline.
Comment: This variant has been reported as associated with Long QT syndrome in the following publications (PMID:19926013). This is a literature report, and does not necessarily reflect the clinical interpretation of the Imperial College / Royal Brompton Cardiovascular Genetics laboratory.

Literature cited by the submitters: PubMed 19926013; PubMed 22581653.